The following is an entry in ClinVar:

ClinVar aggregate classification (germline): Uncertain significance. Review status: criteria provided, multiple submitters, no conflicts (2 of 4 stars). 3 submissions from 3 submitters: Uncertain significance (3). Last evaluated 2026-01-06.

Conditions:
Hypertrophic cardiomyopathy. Also called: HYPERTROPHIC MYOCARDIOPATHY. Identifiers: Orphanet 217569, MedGen C0007194, MeSH D002312, MONDO:0005045, HP:0001639.

Allele frequency attached by ClinVar (database versions not stated): ExAC 0.00003; gnomAD exomes 0.00004 and 0.00007; gnomAD 0.00010 and 0.00011; TOPMed 0.00018.
gnomAD v4.1: 75 of 1,613,256 alleles (0.0046%); highest among the groups gnomAD compares: Admixed American, 0.06%; no homozygotes.

Submissions (3):

Labcorp Genetics (formerly Invitae), Labcorp
Classification: Uncertain significance for Hypertrophic cardiomyopathy. Last evaluated: 2026-01-06. Review status: criteria provided, single submitter. Criteria: Invitae Variant Classification Sherloc (09022015). Collection method: clinical testing. Allele origin: germline.
Comment: This sequence change replaces leucine, which is neutral and non-polar, with phenylalanine, which is neutral and non-polar, at codon 390 of the MYOM1 protein (p.Leu390Phe). This variant is present in population databases (rs758497000, gnomAD 0.04%). This variant has not been reported in the literature in individuals affected with MYOM1-related conditions. ClinVar contains an entry for this variant (Variation ID: 582057). An algorithm developed to predict the effect of missense changes on protein structure and function (PolyPhen-2) suggests that this variant is likely to be tolerated. In summary, the available evidence is currently insufficient to determine the role of this variant in disease. Therefore, it has been classified as a Variant of Uncertain Significance.

Ambry Genetics
Classification: Uncertain significance. Last evaluated: 2024-10-07. Review status: criteria provided, single submitter. Criteria: Ambry Variant Classification Scheme 2023. Collection method: clinical testing. Allele origin: germline.
Comment: The p.L390F variant (also known as c.1168C>T), located in coding exon 7 of the MYOM1 gene, results from a C to T substitution at nucleotide position 1168. The leucine at codon 390 is replaced by phenylalanine, an amino acid with highly similar properties. This amino acid position is conserved. In addition, this alteration is predicted to be tolerated by in silico analysis. Since supporting evidence is limited at this time, the clinical significance of this alteration remains unclear.

Fulgent Genetics
Classification: Uncertain significance for Hypertrophic cardiomyopathy. Last evaluated: 2018-10-31. Review status: criteria provided, single submitter. Criteria: ACMG Guidelines, 2015. Collection method: clinical testing. Allele origin: unknown.

NM_003803.4(MYOM1):c.1168C>T (p.Leu390Phe)

Gene: MYOM1 (myomesin 1; minus strand). Cytogenetic location: 18p11.31.
Variant type: single nucleotide variant.
Coding change: c.1168C>T on transcript NM_003803.4 (MANE Select); coding-DNA position 1168, C replaced by T.
Protein change: p.Leu390Phe; replaces leucine 390 with phenylalanine.
Molecular consequence: missense variant.
Genome position (GRCh38, 1-based): chr18:3,173,944, G>A on the plus strand (C>T on the coding strand, the complement: MYOM1 is on the minus strand). VCF-style: chr18-3173944-G-A. GRCh37 (hg19) VCF-style: chr18-3173942-G-A.
Other names: c.1168C>T, p.Leu390Phe (NM_019856.2); short protein forms L390F.
Identifiers: ClinVar variation 582057 (VCV000582057.13), dbSNP rs758497000, ClinGen allele CA8875030.